The following is an entry in ClinVar:

NM_002470.4(MYH3):c.4543G>C (p.Glu1515Gln)

Gene: MYH3 (myosin heavy chain 3; minus strand). Cytogenetic location: 17p13.1.
Variant type: single nucleotide variant.
Coding change: c.4543G>C on transcript NM_002470.4 (MANE Select); coding-DNA position 4543, G replaced by C.
Protein change: p.Glu1515Gln; replaces glutamic acid 1515 with glutamine.
Molecular consequence: missense variant.
Genome position (GRCh38, 1-based): chr17:10,633,695, C>G on the plus strand (G>C on the coding strand, the complement: MYH3 is on the minus strand). VCF-style: chr17-10633695-C-G. GRCh37 (hg19) VCF-style: chr17-10537012-C-G.
Other names: c.4543G>C (NM_002470.3); short protein forms E1515Q.
Identifiers: ClinVar variation 1394750 (VCV001394750.9), dbSNP rs370151413, ClinGen allele CA8392183.

ClinVar aggregate classification (germline): Uncertain significance. Review status: criteria provided, multiple submitters, no conflicts (2 of 4 stars). 2 submissions from 2 submitters: Uncertain significance (2). Last evaluated 2026-01-05.

Conditions:
Inborn genetic diseases. Identifiers: MedGen C0950123, MeSH D030342.

Allele frequency attached by ClinVar (database versions not stated): gnomAD exomes below 0.00001 and 0.00002; ExAC 0.00003; gnomAD 0.00003 and 0.00004; TOPMed 0.00005; ESP Exome Variant Server 0.00008.
gnomAD v4.1: 10 of 1,613,896 alleles (0.00062%); highest among the groups gnomAD compares: African/African-American, 0.012%; no homozygotes.

Submissions (2):

Labcorp Genetics (formerly Invitae), Labcorp
Classification: Uncertain significance. Last evaluated: 2026-01-05. Review status: criteria provided, single submitter. Criteria: Invitae Variant Classification Sherloc (09022015). Collection method: clinical testing. Allele origin: germline.
Comment: This sequence change replaces glutamic acid, which is acidic and polar, with glutamine, which is neutral and polar, at codon 1515 of the MYH3 protein (p.Glu1515Gln). This variant is present in population databases (rs370151413, gnomAD 0.02%). This variant has not been reported in the literature in individuals affected with MYH3-related conditions. ClinVar contains an entry for this variant (Variation ID: 1394750). Invitae Evidence Modeling of protein sequence and biophysical properties (such as structural, functional, and spatial information, amino acid conservation, physicochemical variation, residue mobility, and thermodynamic stability) indicates that this missense variant is not expected to disrupt MYH3 protein function with a negative predictive value of 95%. In summary, the available evidence is currently insufficient to determine the role of this variant in disease. Therefore, it has been classified as a Variant of Uncertain Significance.

Ambry Genetics
Classification: Uncertain significance for Inborn genetic diseases. Last evaluated: 2023-02-27. Review status: criteria provided, single submitter. Criteria: Ambry Variant Classification Scheme 2023. Collection method: clinical testing. Allele origin: germline.